The following is an entry in ClinVar:

NM_020366.4(RPGRIP1):c.2776A>G (p.Lys926Glu)

Gene: RPGRIP1 (RPGR interacting protein 1; plus strand). Cytogenetic location: 14q11.2.
Variant type: single nucleotide variant.
Coding change: c.2776A>G on transcript NM_020366.4 (MANE Select); coding-DNA position 2776, A replaced by G.
Protein change: p.Lys926Glu; replaces lysine 926 with glutamic acid.
Molecular consequence: missense variant.
Genome position (GRCh38, 1-based): chr14:21,327,688, A>G. VCF-style: chr14-21327688-A-G. GRCh37 (hg19) VCF-style: chr14-21795847-A-G.
Other names: c.754A>G, p.Lys252Glu (NM_001377523.1, NM_001377950.1); c.1702A>G, p.Lys568Glu (NM_001377948.1); c.862A>G, p.Lys288Glu (NM_001377949.1); c.256A>G, p.Lys86Glu (NM_001377951.1); short protein forms K86E, K288E, K926E, K252E, K568E.
Identifiers: ClinVar variation 1391794 (VCV001391794.4), dbSNP rs1883253921, ClinGen allele CA388870590.

ClinVar aggregate classification (germline): Uncertain significance (1 of 4 stars; one submission).

Conditions:
Cone-rod dystrophy 13 (CORD13). Identifiers: Orphanet 1872, MedGen C2750720, MONDO:0011987, OMIM 608194.
Leber congenital amaurosis 6 (LCA6). Identifiers: Orphanet 65, MedGen C1854260, MONDO:0013446, OMIM 613826.

Submission:

Labcorp Genetics (formerly Invitae), Labcorp
Classification: Uncertain significance for Leber congenital amaurosis 6; Cone-rod dystrophy 13. Last evaluated: 2021-11-06. Review status: criteria provided, single submitter. Criteria: Invitae Variant Classification Sherloc (09022015). Collection method: clinical testing. Allele origin: germline.
Comment: In summary, the available evidence is currently insufficient to determine the role of this variant in disease. Therefore, it has been classified as a Variant of Uncertain Significance. Algorithms developed to predict the effect of missense changes on protein structure and function output the following: SIFT: "Deleterious"; PolyPhen-2: "Benign"; Align-GVGD: "Class C0". The glutamic acid amino acid residue is found in multiple mammalian species, which suggests that this missense change does not adversely affect protein function. This variant has not been reported in the literature in individuals affected with RPGRIP1-related conditions. This variant is not present in population databases (gnomAD no frequency). This sequence change replaces lysine, which is basic and polar, with glutamic acid, which is acidic and polar, at codon 926 of the RPGRIP1 protein (p.Lys926Glu).